The following is an entry in ClinVar:

ClinVar aggregate classification (germline): Uncertain significance (1 of 4 stars; one submission).

Allele frequency attached by ClinVar (database versions not stated): ExAC 0.00009; gnomAD exomes 0.00012; gnomAD 0.00015; TOPMed 0.00018; ESP Exome Variant Server 0.00046.
gnomAD v4.1: 191 of 1,614,110 alleles (0.012%); highest among the groups gnomAD compares: Non-Finnish European, 0.016%; 1 homozygote.

Submission:

CeGaT Center for Human Genetics Tuebingen
Classification: Uncertain significance. Last evaluated: 2024-03-01. Review status: criteria provided, single submitter. Criteria: CeGaT Center For Human Genetics Tuebingen Variant Classification Criteria Version 2. Collection method: clinical testing. Allele origin: germline. Affected: yes. Observed: 1 variant allele.
Comment: LRP1: PM2, PS3:Supporting

NM_002332.3(LRP1):c.11949G>T (p.Glu3983Asp)

Gene: LRP1 (LDL receptor related protein 1; plus strand). Cytogenetic location: 12q13.3.
Variant type: single nucleotide variant.
Coding change: c.11949G>T on transcript NM_002332.3 (MANE Select); coding-DNA position 11949, G replaced by T.
Protein change: p.Glu3983Asp; replaces glutamic acid 3983 with aspartic acid.
Molecular consequence: missense variant.
Genome position (GRCh38, 1-based): chr12:57,208,127, G>T. VCF-style: chr12-57208127-G-T. GRCh37 (hg19) VCF-style: chr12-57601910-G-T.
Other names: short protein forms E3983D.
Identifiers: ClinVar variation 3067202 (VCV003067202.21), dbSNP rs146923187, ClinGen allele CA6645449.